The following is an entry in ClinVar:

ClinVar aggregate classification (germline): Uncertain significance (1 of 4 stars; one submission).

Submission:

Labcorp Genetics (formerly Invitae), Labcorp
Classification: Uncertain significance. Last evaluated: 2022-02-04. Review status: criteria provided, single submitter. Criteria: Invitae Variant Classification Sherloc (09022015). Collection method: clinical testing. Allele origin: germline.
Comment: In summary, the available evidence is currently insufficient to determine the role of this variant in disease. Therefore, it has been classified as a Variant of Uncertain Significance. Algorithms developed to predict the effect of sequence changes on RNA splicing suggest that this variant may create or strengthen a splice site. Algorithms developed to predict the effect of missense changes on protein structure and function are either unavailable or do not agree on the potential impact of this missense change (SIFT: "Tolerated"; PolyPhen-2: "Possibly Damaging"; Align-GVGD: "Class C0"). This variant has not been reported in the literature in individuals affected with IRF2BP2-related conditions. This variant is not present in population databases (gnomAD no frequency). This sequence change replaces histidine, which is basic and polar, with glutamine, which is neutral and polar, at codon 266 of the IRF2BP2 protein (p.His266Gln).

NM_182972.3(IRF2BP2):c.798C>G (p.His266Gln)

Gene: IRF2BP2 (interferon regulatory factor 2 binding protein 2; minus strand). Cytogenetic location: 1q42.3.
Variant type: single nucleotide variant.
Coding change: c.798C>G on transcript NM_182972.3 (MANE Select); coding-DNA position 798, C replaced by G.
Protein change: p.His266Gln; replaces histidine 266 with glutamine.
Molecular consequence: missense variant.
Genome position (GRCh38, 1-based): chr1:234,608,697, G>C on the plus strand (C>G on the coding strand, the complement: IRF2BP2 is on the minus strand). VCF-style: chr1-234608697-G-C. GRCh37 (hg19) VCF-style: chr1-234744443-G-C.
Other names: c.798C>G, p.His266Gln (NM_001077397.1); short protein forms H266Q.
Identifiers: ClinVar variation 1465812 (VCV001465812.8), dbSNP rs1426582957, ClinGen allele CA345308401.
Genomic context (GRCh38, chr1:234,608,697, plus strand): 5'-ACCTTCCGCGCTCAGCTCGGCGGCCCCGGCCGCGGTGGACAGGCTGTCGGCCGGGCCCCG[G>C]TGCGCAGGCGGCGGCGGTTGTTTCTCCTTGGCTGCCGCCTCACGCTGCTCGTGCTCCACG-3'
Protein context (NP_892017.2, residues 256-276): AKEKQPPPPA[His266Gln]RGPADSLSTA